The following is an entry in ClinVar:

ClinVar aggregate classification (germline): Uncertain significance (1 of 4 stars; one submission).

Conditions:
Inborn genetic diseases. Identifiers: MedGen C0950123, MeSH D030342.

gnomAD v4.1: 85 of 1,611,634 alleles (0.0053%); highest among the groups gnomAD compares: Non-Finnish European, 0.0071%; no homozygotes.

Submission:

Ambry Genetics
Classification: Uncertain significance for Inborn genetic diseases. Last evaluated: 2026-08-03. Review status: criteria provided, single submitter. Criteria: Ambry Variant Classification Scheme 2023. Collection method: clinical testing. Allele origin: germline.
Comment: The c.650A>G (p.D217G) alteration is located in exon 6 (coding exon 5) of the PPFIA3 gene. This alteration results from a A to G substitution at nucleotide position 650, causing the aspartic acid (D) at amino acid position 217 to be replaced by a glycine (G). Based on data from gnomAD, the G allele has an overall frequency of 0.003% (8/280280) total alleles studied. The highest observed frequency was 0.006% (8/128402) of European (non-Finnish) alleles. Based on insufficient or conflicting evidence, the clinical significance of this alteration remains unclear.

NM_003660.4(PPFIA3):c.650A>G (p.Asp217Gly)

Gene: PPFIA3 (PPFI scaffold protein A3; plus strand). Cytogenetic location: 19q13.33.
Variant type: single nucleotide variant.
Coding change: c.650A>G on transcript NM_003660.4 (MANE Select); coding-DNA position 650, A replaced by G.
Protein change: p.Asp217Gly; replaces aspartic acid 217 with glycine.
Molecular consequence: missense variant. On other transcripts: non-coding transcript variant (1).
Genome position (GRCh38, 1-based): chr19:49,130,060, A>G. VCF-style: chr19-49130060-A-G. GRCh37 (hg19) VCF-style: chr19-49633317-A-G.
Other names: short protein forms D217G.
Identifiers: ClinVar variation 5027215 (VCV005027215.1).